The following is an entry in ClinVar:

ClinVar aggregate classification (germline): Uncertain significance (1 of 4 stars; one submission).

Conditions:
Hereditary cancer-predisposing syndrome. Also called: Tumor predisposition; Neoplastic Syndromes, Hereditary; Hereditary Cancer Syndrome; Hereditary neoplastic syndrome. Identifiers: Orphanet 140162, MedGen C0027672, MeSH D009386, MONDO:0015356.

Submission:

Ambry Genetics
Classification: Uncertain significance for Hereditary cancer-predisposing syndrome. Last evaluated: 2022-08-04. Review status: criteria provided, single submitter. Criteria: Ambry Variant Classification Scheme 2023. Collection method: clinical testing. Allele origin: germline.
Comment: The p.F1040C variant (also known as c.3119T>G), located in coding exon 4 of the MSH6 gene, results from a T to G substitution at nucleotide position 3119. The phenylalanine at codon 1040 is replaced by cysteine, an amino acid with highly dissimilar properties. This amino acid position is highly conserved in available vertebrate species. In addition, this alteration is predicted to be deleterious by in silico analysis. Since supporting evidence is limited at this time, the clinical significance of this alteration remains unclear.

NM_000179.3(MSH6):c.3119T>G (p.Phe1040Cys)

Gene: MSH6 (mutS homolog 6; plus strand). Cytogenetic location: 2p16.3.
Variant type: single nucleotide variant.
Coding change: c.3119T>G on transcript NM_000179.3 (MANE Select); coding-DNA position 3119, T replaced by G.
Protein change: p.Phe1040Cys; replaces phenylalanine 1040 with cysteine.
Molecular consequence: missense variant.
Genome position (GRCh38, 1-based): chr2:47,801,102, T>G. VCF-style: chr2-47801102-T-G. GRCh37 (hg19) VCF-style: chr2-48028241-T-G.
Other names: c.2729T>G, p.Phe910Cys (NM_001281492.2); c.2213T>G, p.Phe738Cys (NM_001281493.2, NM_001281494.2, NM_001406811.1 and 6 more transcripts); c.3215T>G, p.Phe1072Cys (NM_001406795.1, NM_001406802.1); c.3119T>G, p.Phe1040Cys (NM_001406796.1, NM_001406798.1, NM_001406800.1 and 2 more transcripts); c.2822T>G, p.Phe941Cys (NM_001406797.1, NM_001406801.1, NM_001406805.1 and 10 more transcripts); c.2594T>G, p.Phe865Cys (NM_001406799.1, NM_001406806.1, NM_001406807.1); c.3041T>G, p.Phe1014Cys (NM_001406804.1); c.3125T>G, p.Phe1042Cys (NM_001406813.1); and 2 more; short protein forms F910C, F1072C, F941C, F1014C, F1040C, F355C, F738C, F865C.
Identifiers: ClinVar variation 1727831 (VCV001727831.2), dbSNP rs2104441260, ClinGen allele CA346756634.